The following is an entry in ClinVar:

ClinVar aggregate classification (germline): Conflicting classifications of pathogenicity. Review status: criteria provided, conflicting classifications (1 of 4 stars). 4 submissions from 4 submitters: Uncertain significance (3); Likely benign (1). Last evaluated 2025-09-21.

Conditions:
Hereditary cancer-predisposing syndrome. Also called: Hereditary neoplastic syndrome; Tumor predisposition; Neoplastic Syndromes, Hereditary; Hereditary Cancer Syndrome. Identifiers: Orphanet 140162, MedGen C0027672, MeSH D009386, MONDO:0015356.
Hereditary breast ovarian cancer syndrome. Also called: Hereditary breast and ovarian cancer; Hereditary breast and/or ovarian cancer syndrome; Hereditary breast and ovarian cancer syndrome; Hereditary breast and ovarian cancer syndrome (HBOC); Breast and ovarian cancer; BRCA1- and BRCA2-Associated Hereditary Breast and Ovarian Cancer. Identifiers: Orphanet 145, MedGen C0677776, MeSH D061325, MONDO:0003582. Disease mechanism: loss of function.

Allele frequency attached by ClinVar (database versions not stated): gnomAD exomes below 0.00001.
gnomAD v4.1: 1 of 1,614,046 alleles (0.000062%); highest among the groups gnomAD compares: Non-Finnish European, 0.000085%; no homozygotes.

Submissions (4):

Ambry Genetics
Classification: Uncertain significance for Hereditary cancer-predisposing syndrome. Last evaluated: 2025-09-21. Review status: criteria provided, single submitter. Criteria: Ambry Variant Classification Scheme 2023. Collection method: clinical testing. Allele origin: germline.
Comment: The p.A439S variant (also known as c.1315G>T), located in coding exon 9 of the BRCA1 gene, results from a G to T substitution at nucleotide position 1315. The alanine at codon 439 is replaced by serine, an amino acid with similar properties. This amino acid position is not well conserved in available vertebrate species. In addition, the in silico prediction for this alteration is inconclusive. Since supporting evidence is limited at this time, the clinical significance of this alteration remains unclear.

University of Washington Department of Laboratory Medicine, University of Washington
Classification: Likely benign for Hereditary cancer-predisposing syndrome. Last evaluated: 2023-03-23. Review status: criteria provided, single submitter. Criteria: Dines et al. (Genet Med. 2020). Collection method: curation. Allele origin: germline.
Comment: Missense variant in a coldspot region where missense variants are very unlikely to be pathogenic (PMID:31911673).

BRCA1 coldspot (exon 11 using historical exon numbering). Reclassification based on statistical prior probability

Labcorp Genetics (formerly Invitae), Labcorp
Classification: Uncertain significance for Hereditary breast ovarian cancer syndrome. Last evaluated: 2023-01-19. Review status: criteria provided, single submitter. Criteria: Invitae Variant Classification Sherloc (09022015). Collection method: clinical testing. Allele origin: germline.
Comment: In summary, the available evidence is currently insufficient to determine the role of this variant in disease. Therefore, it has been classified as a Variant of Uncertain Significance. Advanced modeling of protein sequence and biophysical properties (such as structural, functional, and spatial information, amino acid conservation, physicochemical variation, residue mobility, and thermodynamic stability) performed at Invitae indicates that this missense variant is not expected to disrupt BRCA1 protein function. ClinVar contains an entry for this variant (Variation ID: 419772). This variant has not been reported in the literature in individuals affected with BRCA1-related conditions. This variant is not present in population databases (gnomAD no frequency). This sequence change replaces alanine, which is neutral and non-polar, with serine, which is neutral and polar, at codon 439 of the BRCA1 protein (p.Ala439Ser).

GeneDx
Classification: Uncertain significance. Last evaluated: 2015-09-03. Review status: criteria provided, single submitter. Criteria: GeneDx Variant Classification (06012015). Collection method: clinical testing. Allele origin: germline. Affected: yes.
Comment: This variant is denoted BRCA1 c.1315G>T at the cDNA level, p.Ala439Ser (A439S) at the protein level, and results in the change of an Alanine to a Serine (GCT>TCT). Using alternate nomenclature, this variant would be defined as BRCA1 1434G>T. This variant has not, to our knowledge, been published in the literature as pathogenic or benign. BRCA1 Ala439Ser was not observed in approximately 6,500 individuals of European and African American ancestry in the NHLBI Exome Sequencing Project, indicating it is not a common benign variant in these populations. Since Alanine and Serine differ in polarity, charge, size or other properties, this is considered a non-conservative amino acid substitution. BRCA1 Ala439Ser occurs at a position that is not conserved and is located in multiple functional domains (Paul 2014). In silico analyses predict that this variant is unlikely to alter protein structure or function. Based on currently available information, it is unclear whether BRCA1 Ala439Ser is pathogenic or benign. We consider it to be a variant of uncertain significance.

NM_007294.4(BRCA1):c.1315G>T (p.Ala439Ser)

Gene: BRCA1 (BRCA1 DNA repair associated; minus strand). Cytogenetic location: 17q21.31.
Variant type: single nucleotide variant.
Coding change: c.1315G>T on transcript NM_007294.4 (MANE Select); coding-DNA position 1315, G replaced by T.
Protein change: p.Ala439Ser; replaces alanine 439 with serine.
Molecular consequence: missense variant. On other transcripts: intron variant (137).
Genome position (GRCh38, 1-based): chr17:43,094,216, C>A on the plus strand (G>T on the coding strand, the complement: BRCA1 is on the minus strand). VCF-style: chr17-43094216-C-A. GRCh37 (hg19) VCF-style: chr17-41246233-C-A.
Other names: c.1102G>T, p.Ala368Ser (NM_001407571.1, NM_001407853.1, NM_001407894.1 and 9 more transcripts); c.1315G>T, p.Ala439Ser (NM_001407581.1, NM_001407582.1, NM_001407583.1 and 30 more transcripts); c.1312G>T, p.Ala438Ser (NM_001407587.1, NM_001407590.1, NM_001407591.1 and 22 more transcripts); c.1306G>T, p.Ala436Ser (NM_001407646.1, NM_001407647.1); c.1192G>T, p.Ala398Ser (NM_001407648.1, NM_001407664.1, NM_001407665.1 and 19 more transcripts); c.1189G>T, p.Ala397Ser (NM_001407649.1, NM_001407670.1, NM_001407671.1 and 11 more transcripts); c.1237G>T, p.Ala413Ser (NM_001407653.1, NM_001407654.1, NM_001407655.1 and 4 more transcripts); c.1234G>T, p.Ala412Ser (NM_001407659.1, NM_001407660.1, NM_001407661.1 and 1 more transcripts); and 40 more; short protein forms A439S, A392S, A143S, A351S, A391S, A397S, A412S, A436S.
Identifiers: ClinVar variation 419772 (VCV000419772.16), dbSNP rs1064794098, ClinGen allele CA10599420.